The following is an entry in ClinVar:

ClinVar aggregate classification (germline): Uncertain significance (1 of 4 stars; one submission).

Conditions:
Leber congenital amaurosis 2 (LCA2). Also called: AMAUROSIS CONGENITA OF LEBER II; Autosomal Recessive RPE65-Related Retinal Degeneration. Identifiers: Orphanet 65, MedGen C1859844, MONDO:0008765, OMIM 204100. Disease mechanism: loss of function.
Retinitis pigmentosa 20 (RP20). Identifiers: Orphanet 791, MedGen C3151086, MONDO:0013425, OMIM 613794.

Submission:

Labcorp Genetics (formerly Invitae), Labcorp
Classification: Uncertain significance for Leber congenital amaurosis 2; Retinitis pigmentosa 20. Last evaluated: 2025-12-29. Review status: criteria provided, single submitter. Criteria: Invitae Variant Classification Sherloc (09022015). Collection method: clinical testing. Allele origin: germline.
Comment: This sequence change replaces alanine, which is neutral and non-polar, with aspartic acid, which is acidic and polar, at codon 500 of the RPE65 protein (p.Ala500Asp). This variant is not present in population databases (gnomAD no frequency). This missense change has been observed in individual(s) with autosomal recessive Leber congenital amaurosis (internal data). In at least one individual the data is consistent with being in trans (on the opposite chromosome) from a pathogenic variant. Invitae Evidence Modeling of protein sequence and biophysical properties (such as structural, functional, and spatial information, amino acid conservation, physicochemical variation, residue mobility, and thermodynamic stability) indicates that this missense variant is not expected to disrupt RPE65 protein function with a negative predictive value of 80%. In summary, the available evidence is currently insufficient to determine the role of this variant in disease. Therefore, it has been classified as a Variant of Uncertain Significance.

NM_000329.3(RPE65):c.1499C>A (p.Ala500Asp)

Gene: RPE65 (retinoid isomerohydrolase RPE65; minus strand). Cytogenetic location: 1p31.3.
Variant type: single nucleotide variant.
Coding change: c.1499C>A on transcript NM_000329.3 (MANE Select); coding-DNA position 1499, C replaced by A.
Protein change: p.Ala500Asp; replaces alanine 500 with aspartic acid.
Molecular consequence: missense variant.
Genome position (GRCh38, 1-based): chr1:68,429,879, G>T on the plus strand (C>A on the coding strand, the complement: RPE65 is on the minus strand). VCF-style: chr1-68429879-G-T. GRCh37 (hg19) VCF-style: chr1-68895562-G-T.
Other names: c.1391C>A, p.Ala464Asp (NM_001406853.1); c.1223C>A, p.Ala408Asp (NM_001406856.1, NM_001406857.1); short protein forms A500D, A408D, A464D.
Identifiers: ClinVar variation 4782597 (VCV004782597.1).